The following is an entry in ClinVar:

ClinVar aggregate classification (germline): Uncertain significance (1 of 4 stars; one submission).

Conditions:
Long QT syndrome (LQTS). Identifiers: MedGen C0023976, MeSH D008133, MONDO:0002442. Disease mechanism: loss of function. Inheritance: Various modes of inheritance.

Submission:

Labcorp Genetics (formerly Invitae), Labcorp
Classification: Uncertain significance for Long QT syndrome. Last evaluated: 2024-07-24. Review status: criteria provided, single submitter. Criteria: Invitae Variant Classification Sherloc (09022015). Collection method: clinical testing. Allele origin: germline.
Comment: This sequence change replaces glutamine, which is neutral and polar, with arginine, which is basic and polar, at codon 3769 of the ANK2 protein (p.Gln3769Arg). This variant is not present in population databases (gnomAD no frequency). This variant has not been reported in the literature in individuals affected with ANK2-related conditions. An algorithm developed to predict the effect of missense changes on protein structure and function outputs the following: PolyPhen-2: "Benign". The arginine amino acid residue is found in multiple mammalian species, which suggests that this missense change does not adversely affect protein function. In summary, the available evidence is currently insufficient to determine the role of this variant in disease. Therefore, it has been classified as a Variant of Uncertain Significance.

NM_001148.6(ANK2):c.11306A>G (p.Gln3769Arg)

Gene: ANK2 (ankyrin 2; plus strand). Cytogenetic location: 4q26.
Variant type: single nucleotide variant.
Coding change: c.11306A>G on transcript NM_001148.6 (MANE Select); coding-DNA position 11306, A replaced by G.
Protein change: p.Gln3769Arg; replaces glutamine 3769 with arginine.
Molecular consequence: missense variant.
Genome position (GRCh38, 1-based): chr4:113,367,839, A>G. VCF-style: chr4-113367839-A-G. GRCh37 (hg19) VCF-style: chr4-114288995-A-G.
Other names: c.4766A>G, p.Gln1589Arg (NM_001354260.2, NM_001354271.2, NM_001386151.1); c.4910A>G, p.Gln1637Arg (NM_001354261.2); c.4889A>G, p.Gln1630Arg (NM_001354275.2, NM_001354262.2, NM_001354245.2); c.4865A>G, p.Gln1622Arg (NM_001354276.2, NM_001354266.2, NM_001354267.2 and 2 more transcripts); c.5048A>G, p.Gln1683Arg (NM_001354265.2, NM_001354235.2, NM_001354246.2); c.4838A>G, p.Gln1613Arg (NM_001354269.3); c.4826A>G, p.Gln1609Arg (NM_001354270.2, NM_001354253.2); c.4751A>G, p.Gln1584Arg (NM_001354273.2); and 35 more; short protein forms Q1584R, Q1626R, Q1630R, Q1698R, Q1699R, Q1710R, Q2569R, Q3691R.
Identifiers: ClinVar variation 3686292 (VCV003686292.2).